The following is an entry in ClinVar:

NM_001134363.3(RBM20):c.379G>A (p.Val127Met)

Gene: RBM20 (RNA binding motif protein 20; plus strand). Cytogenetic location: 10q25.2.
Variant type: single nucleotide variant.
Coding change: c.379G>A on transcript NM_001134363.3 (MANE Select); coding-DNA position 379, G replaced by A.
Protein change: p.Val127Met; replaces valine 127 with methionine.
Molecular consequence: missense variant.
Genome position (GRCh38, 1-based): chr10:110,780,988, G>A. VCF-style: chr10-110780988-G-A. GRCh37 (hg19) VCF-style: chr10-112540746-G-A.
Other names: short protein forms V127M.
Identifiers: ClinVar variation 3431232 (VCV003431232.1).

ClinVar aggregate classification (germline): Uncertain significance (1 of 4 stars; one submission).

Conditions:
Cardiovascular phenotype. Identifiers: MedGen CN230736.

gnomAD v4.1: 7 of 1,551,726 alleles (0.00045%); highest among the groups gnomAD compares: Non-Finnish European, 0.00061%; no homozygotes.

Submission:

Ambry Genetics
Classification: Uncertain significance for Cardiovascular phenotype. Last evaluated: 2024-08-19. Review status: criteria provided, single submitter. Criteria: Ambry Variant Classification Scheme 2023. Collection method: clinical testing. Allele origin: germline.
Comment: The p.V127M variant (also known as c.379G>A), located in coding exon 2 of the RBM20 gene, results from a G to A substitution at nucleotide position 379. The valine at codon 127 is replaced by methionine, an amino acid with highly similar properties. This amino acid position is conserved. In addition, the in silico prediction for this alteration is inconclusive. Based on the available evidence, the clinical significance of this variant remains unclear.